The following is an entry in ClinVar:

ClinVar aggregate classification (germline): Uncertain significance (1 of 4 stars; one submission).

Conditions:
Microcephaly-intellectual disability-sensorineural hearing loss-epilepsy-abnormal muscle tone syndrome (NEDHSB). Also called: NEURODEVELOPMENTAL DISORDER WITH HEARING LOSS, SEIZURES, AND BRAIN ABNORMALITIES. Identifiers: Orphanet 457351, MedGen C4225276, MONDO:0014698, OMIM 616577.

Allele frequency attached by ClinVar (database versions not stated): gnomAD exomes below 0.00001.
gnomAD v4.1: 11 of 1,608,088 alleles (0.00068%); highest among the groups gnomAD compares: Non-Finnish European, 0.00093%; no homozygotes.

Submission:

Labcorp Genetics (formerly Invitae), Labcorp
Classification: Uncertain significance for Microcephaly-intellectual disability-sensorineural hearing loss-epilepsy-abnormal muscle tone syndrome. Last evaluated: 2021-09-01. Review status: criteria provided, single submitter. Criteria: Invitae Variant Classification Sherloc (09022015). Collection method: clinical testing. Allele origin: germline.
Comment: This sequence change replaces serine with asparagine at codon 360 of the SPATA5 protein (p.Ser360Asn). The serine residue is highly conserved and there is a small physicochemical difference between serine and asparagine. This variant is not present in population databases (ExAC no frequency). This variant has not been reported in the literature in individuals affected with SPATA5-related conditions. Advanced modeling of protein sequence and biophysical properties (such as structural, functional, and spatial information, amino acid conservation, physicochemical variation, residue mobility, and thermodynamic stability) performed at Invitae indicates that this missense variant is not expected to disrupt SPATA5 protein function. In summary, the available evidence is currently insufficient to determine the role of this variant in disease. Therefore, it has been classified as a Variant of Uncertain Significance.

NM_145207.3(AFG2A):c.1079G>A (p.Ser360Asn)

Gene: AFG2A (AFG2 AAA ATPase homolog A; plus strand). Cytogenetic location: 4q28.1.
Variant type: single nucleotide variant.
Coding change: c.1079G>A on transcript NM_145207.3 (MANE Select); coding-DNA position 1079, G replaced by A.
Protein change: p.Ser360Asn; replaces serine 360 with asparagine.
Molecular consequence: missense variant.
Genome position (GRCh38, 1-based): chr4:122,934,670, G>A. VCF-style: chr4-122934670-G-A. GRCh37 (hg19) VCF-style: chr4-123855825-G-A.
Other names: c.1076G>A, p.Ser359Asn (NM_001317799.2, NM_001345856.2); short protein forms S359N, S360N.
Identifiers: ClinVar variation 1047325 (VCV001047325.2), dbSNP rs1019101272, ClinGen allele CA358103183.